The following is an entry in ClinVar:

NM_024675.4(PALB2):c.2749-19G>A

Gene: PALB2 (partner and localizer of BRCA2; minus strand). Cytogenetic location: 16p12.2.
Variant type: single nucleotide variant.
Coding change: c.2749-19G>A on transcript NM_024675.4 (MANE Select); 19 bases into the intron before coding-DNA position 2749, G replaced by A.
Molecular consequence: intron variant.
Genome position (GRCh38, 1-based): chr16:23,624,113, C>T on the plus strand (G>A on the coding strand, the complement: PALB2 is on the minus strand). VCF-style: chr16-23624113-C-T. GRCh37 (hg19) VCF-style: chr16-23635434-C-T.
Identifiers: ClinVar variation 1926765 (VCV001926765.6), dbSNP rs2142344937, ClinGen allele CA2580091268.

ClinVar aggregate classification (germline): Likely benign. Review status: criteria provided, multiple submitters, no conflicts (2 of 4 stars). 2 submissions from 2 submitters: Likely benign (2). Last evaluated 2025-03-02.

Conditions:
Familial cancer of breast. Also called: hereditary breast carcinoma; Hereditary breast cancer; BREAST CANCER, FAMILIAL. Identifiers: Orphanet 227535, MedGen C0346153, MONDO:0016419, OMIM 114480. Disease mechanism: loss of function.

Allele frequency attached by ClinVar (database versions not stated): gnomAD exomes below 0.00001.
gnomAD v4.1: 1 of 1,537,160 alleles (0.000065%); highest among the groups gnomAD compares: Non-Finnish European, 0.00009%; no homozygotes.

Submissions (2):

Labcorp Genetics (formerly Invitae), Labcorp
Classification: Likely benign for Familial cancer of breast. Last evaluated: 2025-03-02. Review status: criteria provided, single submitter. Criteria: Invitae Variant Classification Sherloc (09022015). Collection method: clinical testing. Allele origin: germline.

Myriad Genetics, Inc.
Classification: Likely benign for Familial cancer of breast. Last evaluated: 2025-01-17. Review status: criteria provided, single submitter. Criteria: Myriad Autosomal Dominant, Autosomal Recessive and X-Linked Classification Criteria (2023). Collection method: clinical testing. Allele origin: unknown.
Comment: This variant is considered likely benign. This variant is intronic and is not expected to impact mRNA splicing.